The following is an entry in ClinVar:

ClinVar aggregate classification (germline): Conflicting classifications of pathogenicity. Review status: criteria provided, conflicting classifications (1 of 4 stars). 3 submissions from 3 submitters: Uncertain significance (2); Likely benign (1). Last evaluated 2024-12-01.

Conditions:
RYR1-related disorder. Also called: RYR1-related disorders; RYR1-related condition. Identifiers: MedGen CN239331.

Allele frequency attached by ClinVar (database versions not stated): TOPMed below 0.00001; gnomAD exomes 0.00001; gnomAD 0.00003.
gnomAD v4.1: 18 of 1,612,300 alleles (0.0011%); highest among the groups gnomAD compares: Non-Finnish European, 0.0015%; no homozygotes.

Submissions (3):

CeGaT Center for Human Genetics Tuebingen
Classification: Likely benign. Last evaluated: 2024-12-01. Review status: criteria provided, single submitter. Criteria: CeGaT Center For Human Genetics Tuebingen Variant Classification Criteria Version 2. Collection method: clinical testing. Allele origin: germline. Affected: yes. Observed: 1 variant allele.
Comment: RYR1: BP4

Labcorp Genetics (formerly Invitae), Labcorp
Classification: Uncertain significance for RYR1-related disorder. Last evaluated: 2024-11-11. Review status: criteria provided, single submitter. Criteria: Invitae Variant Classification Sherloc (09022015). Collection method: clinical testing. Allele origin: germline.
Comment: This sequence change falls in intron 57 of the RYR1 gene. It does not directly change the encoded amino acid sequence of the RYR1 protein. It affects a nucleotide within the consensus splice site. This variant is present in population databases (no rsID available, gnomAD 0.005%). This variant has not been reported in the literature in individuals affected with RYR1-related conditions. ClinVar contains an entry for this variant (Variation ID: 2073608). Variants that disrupt the consensus splice site are a relatively common cause of aberrant splicing (PMID: 17576681, 9536098). Algorithms developed to predict the effect of sequence changes on RNA splicing suggest that this variant may disrupt the consensus splice site. In summary, the available evidence is currently insufficient to determine the role of this variant in disease. Therefore, it has been classified as a Variant of Uncertain Significance.

Blueprint Genetics
Classification: Uncertain significance. Last evaluated: 2021-04-08. Review status: criteria provided, single submitter. Criteria: ACMG Guidelines, 2015. Collection method: clinical testing. Allele origin: germline.

Literature cited by the submitters: PubMed 17576681 (cited by Labcorp Genetics (formerly Invitae), Labcorp); PubMed 9536098 (cited by Labcorp Genetics (formerly Invitae), Labcorp).

NM_000540.3(RYR1):c.8816+3A>G

Gene: RYR1 (ryanodine receptor 1; plus strand). Cytogenetic location: 19q13.2.
Variant type: single nucleotide variant.
Coding change: c.8816+3A>G on transcript NM_000540.3 (MANE Select); 3 bases into the intron after coding-DNA position 8816, A replaced by G.
Molecular consequence: intron variant.
Genome position (GRCh38, 1-based): chr19:38,506,955, A>G. VCF-style: chr19-38506955-A-G. GRCh37 (hg19) VCF-style: chr19-38997595-A-G.
Other names: c.8816+3A>G (NM_001042723.2).
Identifiers: ClinVar variation 2073608 (VCV002073608.18), dbSNP rs1483590394, ClinGen allele CA632875722.